The following is an entry in ClinVar:

NM_020433.5(JPH2):c.1125C>T (p.Arg375=)

Gene: JPH2 (junctophilin 2; minus strand). Cytogenetic location: 20q13.12.
Variant type: single nucleotide variant.
Coding change: c.1125C>T on transcript NM_020433.5 (MANE Select); coding-DNA position 1125, C replaced by T.
Protein change: p.Arg375=; no amino-acid change (arginine 375 retained).
Molecular consequence: synonymous variant.
Genome position (GRCh38, 1-based): chr20:44,159,662, G>A on the plus strand (C>T on the coding strand, the complement: JPH2 is on the minus strand). VCF-style: chr20-44159662-G-A. GRCh37 (hg19) VCF-style: chr20-42788302-G-A.
Identifiers: ClinVar variation 4820480 (VCV004820480.1), dbSNP rs2072590639.

ClinVar aggregate classification (germline): Likely benign (1 of 4 stars; one submission).

Submission:

Molecular Diagnostic Laboratory for Inherited Cardiovascular Disease, Montreal Heart Institute
Classification: Likely benign. Last evaluated: 2026-03-27. Review status: criteria provided, single submitter. Criteria: ACMG Guidelines, 2015. Collection method: clinical testing. Allele origin: germline. Affected: no.
Comment: BP7